The following is an entry in ClinVar:

NM_004130.4(GYG1):c.7+1G>A

Genes: GYG1 (glycogenin 1; plus strand), LOC129937737 (ATAC-STARR-seq lymphoblastoid silent region 14802; plus strand). Cytogenetic location: 3q24.
Variant type: single nucleotide variant.
Coding change: c.7+1G>A on transcript NM_004130.4 (MANE Select); the canonical splice donor site of the intron after coding-DNA position 7, G replaced by A.
Molecular consequence: splice donor variant.
Genome position (GRCh38, 1-based): chr3:148,991,648, G>A. VCF-style: chr3-148991648-G-A. GRCh37 (hg19) VCF-style: chr3-148709435-G-A.
Other names: c.7+1G>A (NM_001184720.2, NM_001184721.2).
Identifiers: ClinVar variation 666973 (VCV000666973.12), dbSNP rs949456055, ClinGen allele CA85544103.

ClinVar aggregate classification (germline): Likely pathogenic. Review status: criteria provided, multiple submitters, no conflicts (2 of 4 stars). 3 submissions from 3 submitters: Likely pathogenic (3). Last evaluated 2025-07-07.

Conditions:
Polyglucosan body myopathy type 2. Identifiers: Orphanet 456369, MedGen C4015452, MONDO:0014526, OMIM 616199.
Glycogen storage disease XV (GSD15). Also called: GLYCOGENIN DEFICIENCY; GSD XV. Identifiers: Orphanet 263297, MedGen C3150754, MONDO:0013291, OMIM 613507.

Allele frequency attached by ClinVar (database versions not stated): gnomAD exomes 0.00001; gnomAD 0.00002 and 0.00003; TOPMed 0.00007; 1000 Genomes Project 30x 0.00031.
gnomAD v4.1: 8 of 1,540,972 alleles (0.00052%); highest among the groups gnomAD compares: Admixed American, 0.0076%; no homozygotes.

Submissions (4):

Women's Health and Genetics/Laboratory Corporation of America, LabCorp
Classification: Likely pathogenic for Polyglucosan body myopathy type 2. Last evaluated: 2025-07-07. Review status: criteria provided, single submitter. Criteria: LabCorp Variant Classification Summary - May 2015. Collection method: clinical testing. Allele origin: germline.
Comment: Variant summary: GYG1 c.7+1G>A is located in a canonical splice-site and is predicted to affect mRNA splicing resulting in a significantly altered protein due to either exon skipping, shortening, or inclusion of intronic material. Variants that disrupt the consensus splice site are a relatively common cause of aberrant splicing and loss of GYG1 function. Several computational tools predict a significant impact on normal splicing: Five predict the variant abolishes a 5' splicing donor site. However, these predictions have yet to be confirmed by functional studies. The variant allele was found at a frequency of 7.2e-06 in 138668 control chromosomes. To our knowledge, no occurrence of c.7+1G>A in individuals affected with Polyglucosan Body Myopathy Type 2 and no experimental evidence demonstrating its impact on protein function have been reported. ClinVar contains an entry for this variant (Variation ID: 666973). Based on the evidence outlined above, the variant was classified as likely pathogenic.

Labcorp Genetics (formerly Invitae), Labcorp
Classification: Likely pathogenic for Polyglucosan body myopathy type 2; Glycogen storage disease XV. Last evaluated: 2025-01-08. Review status: criteria provided, single submitter. Criteria: Invitae Variant Classification Sherloc (09022015). Collection method: clinical testing. Allele origin: germline.
Comment: This sequence change affects a donor splice site in intron 1 of the GYG1 gene. It is expected to disrupt RNA splicing. Variants that disrupt the donor or acceptor splice site typically lead to a loss of protein function (PMID: 16199547), and loss-of-function variants in GYG1 are known to be pathogenic (PMID: 20357282, 25272951). The frequency data for this variant in the population databases is considered unreliable, as metrics indicate poor data quality at this position in the gnomAD database. This variant has not been reported in the literature in individuals affected with GYG1-related conditions. ClinVar contains an entry for this variant (Variation ID: 666973). Algorithms developed to predict the effect of sequence changes on RNA splicing suggest that this variant may disrupt the consensus splice site. In summary, the currently available evidence indicates that the variant is pathogenic, but additional data are needed to prove that conclusively. Therefore, this variant has been classified as Likely Pathogenic.

Laboratory for Molecular Medicine, Mass General Brigham Personalized Medicine
Classification: Likely pathogenic for Polyglucosan body myopathy 2. Last evaluated: 2018-05-30. Review status: criteria provided, single submitter. Criteria: LMM Criteria. Collection method: clinical testing. Allele origin: germline. Inheritance: Autosomal recessive inheritance. Observed: 1 variant allele.
Comment: The c.7+1G>A variant in GYG1 has not been previously reported in individuals wit h Polyglucosan body myopathy, but has been identified in 1/25088 Latino chromoso mes by the Genome Aggregation Database (gnomAD ; dbSNP rs949456055). Although this variant has been seen in the general populat ion, its frequency is low enough to be consistent with a recessive carrier frequ ency. This variant occurs in the invariant region (+1) of the splice consensus s equence and is predicted to cause altered splicing leading to an abnormal or abs ent protein. Loss o f function of the GYG1 gene is an established disease mechanism in autosomal rec essive Polyglucosan body myopathy. In summary, although additional studies are r equired to fully establish its clinical significance, this variant is likely pat hogenic. ACMG/AMP Criteria applied: PVS1_Strong; PM2.

Dr. Peter K. Rogan Lab, Western University
No classification provided (evidence only). Condition: Lung cancer. Review status: no classification provided. Collection method: in vitro. Allele origin: not applicable. Functional consequence: retained intron. Not counted in ClinVar's aggregate classification.

Literature cited by the submitters: PubMed 16199547 (cited by Labcorp Genetics (formerly Invitae), Labcorp); PubMed 20357282 (cited by Labcorp Genetics (formerly Invitae), Labcorp); PubMed 25272951 (cited by Labcorp Genetics (formerly Invitae), Labcorp).